The following is an entry in ClinVar:

ClinVar aggregate classification (germline): Uncertain significance (1 of 4 stars; one submission).

gnomAD v4.1: 90 of 1,536,420 alleles (0.0059%); highest among the groups gnomAD compares: African/African-American, 0.088%; no homozygotes.

Submission:

Labcorp Genetics (formerly Invitae), Labcorp
Classification: Uncertain significance. Last evaluated: 2025-11-03. Review status: criteria provided, single submitter. Criteria: Invitae Variant Classification Sherloc (09022015). Collection method: clinical testing. Allele origin: germline.
Comment: This sequence change replaces glycine, which is neutral and non-polar, with serine, which is neutral and polar, at codon 440 of the GCGR protein (p.Gly440Ser). This variant is present in population databases (rs183571856, gnomAD 0.08%), and has an allele count higher than expected for a pathogenic variant. This variant has not been reported in the literature in individuals affected with GCGR-related conditions. An algorithm developed to predict the effect of missense changes on protein structure and function outputs the following: PolyPhen-2: "Benign". The serine amino acid residue is found in multiple mammalian species, which suggests that this missense change does not adversely affect protein function. In summary, the available evidence is currently insufficient to determine the role of this variant in disease. Therefore, it has been classified as a Variant of Uncertain Significance.

NM_000160.5(GCGR):c.1318G>A (p.Gly440Ser)

Gene: GCGR (glucagon receptor; plus strand). Cytogenetic location: 17q25.3.
Variant type: single nucleotide variant.
Coding change: c.1318G>A on transcript NM_000160.5 (MANE Select); coding-DNA position 1318, G replaced by A.
Protein change: p.Gly440Ser; replaces glycine 440 with serine.
Molecular consequence: missense variant.
Genome position (GRCh38, 1-based): chr17:81,813,573, G>A. VCF-style: chr17-81813573-G-A. GRCh37 (hg19) VCF-style: chr17-79771449-G-A.
Other names: short protein forms G440S.
Identifiers: ClinVar variation 4806251 (VCV004806251.1).